The following is an entry in ClinVar:

NM_006030.4(CACNA2D2):c.1720C>T (p.Pro574Ser)

Gene: CACNA2D2 (calcium voltage-gated channel auxiliary subunit alpha2delta 2; minus strand). Cytogenetic location: 3p21.31.
Variant type: single nucleotide variant.
Coding change: c.1720C>T on transcript NM_006030.4 (MANE Select); coding-DNA position 1720, C replaced by T.
Protein change: p.Pro574Ser; replaces proline 574 with serine.
Molecular consequence: missense variant.
Genome position (GRCh38, 1-based): chr3:50,376,016, G>A on the plus strand (C>T on the coding strand, the complement: CACNA2D2 is on the minus strand). VCF-style: chr3-50376016-G-A. GRCh37 (hg19) VCF-style: chr3-50413447-G-A.
Other names: c.1720C>T, p.Pro574Ser (NM_001005505.3, NM_001174051.3, NM_001410768.1); c.1513C>T, p.Pro505Ser (NM_001291101.1); short protein forms P574S, P505S.
Identifiers: ClinVar variation 2025629 (VCV002025629.4), dbSNP rs2471017963, ClinGen allele CA352925022.

ClinVar aggregate classification (germline): Uncertain significance (1 of 4 stars; one submission).

Conditions:
Early-infantile DEE. Also called: Ohtahara syndrome; Early infantile epileptic encephalopathy with suppression bursts; Early infantile epileptic encephalopathy. Identifiers: Orphanet 1934, MedGen C0393706, MONDO:0800491.

Submission:

Labcorp Genetics (formerly Invitae), Labcorp
Classification: Uncertain significance for Early-infantile DEE. Last evaluated: 2022-05-12. Review status: criteria provided, single submitter. Criteria: Invitae Variant Classification Sherloc (09022015). Collection method: clinical testing. Allele origin: germline.
Comment: This sequence change replaces proline, which is neutral and non-polar, with serine, which is neutral and polar, at codon 574 of the CACNA2D2 protein (p.Pro574Ser). This variant is not present in population databases (gnomAD no frequency). This variant has not been reported in the literature in individuals affected with CACNA2D2-related conditions. Algorithms developed to predict the effect of missense changes on protein structure and function are either unavailable or do not agree on the potential impact of this missense change (SIFT: "Deleterious"; PolyPhen-2: "Possibly Damaging"; Align-GVGD: "Class C0"). In summary, the available evidence is currently insufficient to determine the role of this variant in disease. Therefore, it has been classified as a Variant of Uncertain Significance.